The following is an entry in ClinVar:

NM_001375808.2(LPIN2):c.2434C>T (p.Arg812Cys)

Gene: LPIN2 (lipin 2; minus strand). Cytogenetic location: 18p11.31.
Variant type: single nucleotide variant.
Coding change: c.2434C>T on transcript NM_001375808.2 (MANE Select); coding-DNA position 2434, C replaced by T.
Protein change: p.Arg812Cys; replaces arginine 812 with cysteine.
Molecular consequence: missense variant.
Genome position (GRCh38, 1-based): chr18:2,921,541, G>A on the plus strand (C>T on the coding strand, the complement: LPIN2 is on the minus strand). VCF-style: chr18-2921541-G-A. GRCh37 (hg19) VCF-style: chr18-2921539-G-A.
Other names: c.2434C>T, p.Arg812Cys (NM_001375809.1, NM_014646.2); short protein forms R812C.
Identifiers: ClinVar variation 1517748 (VCV001517748.7), dbSNP rs754916357, ClinGen allele CA8872733.

ClinVar aggregate classification (germline): Uncertain significance (1 of 4 stars; one submission).

Conditions:
Majeed syndrome (MJDS). Also called: CHRONIC RECURRENT MULTIFOCAL OSTEOMYELITIS 1, WITH CONGENITAL DYSERYTHROPOIETIC ANEMIA, WITH OR WITHOUT NEUTROPHILIC DERMATOSIS; LPIN2-Related Majeed Syndrome. Identifiers: Orphanet 77297, MedGen C1864997, MONDO:0012316, OMIM 609628.

Allele frequency attached by ClinVar (database versions not stated): TOPMed 0.00003; gnomAD 0.00004 and 0.00005.
gnomAD v4.1: 14 of 1,610,996 alleles (0.00087%); highest among the groups gnomAD compares: African/African-American, 0.0094%; no homozygotes.

Submission:

Labcorp Genetics (formerly Invitae), Labcorp
Classification: Uncertain significance for Majeed syndrome. Last evaluated: 2025-01-19. Review status: criteria provided, single submitter. Criteria: Invitae Variant Classification Sherloc (09022015). Collection method: clinical testing. Allele origin: germline.
Comment: This sequence change replaces arginine, which is basic and polar, with cysteine, which is neutral and slightly polar, at codon 812 of the LPIN2 protein (p.Arg812Cys). The frequency data for this variant in the population databases is considered unreliable, as metrics indicate poor data quality at this position in the gnomAD database. This variant has not been reported in the literature in individuals affected with LPIN2-related conditions. ClinVar contains an entry for this variant (Variation ID: 1517748). Invitae Evidence Modeling of protein sequence and biophysical properties (such as structural, functional, and spatial information, amino acid conservation, physicochemical variation, residue mobility, and thermodynamic stability) indicates that this missense variant is expected to disrupt LPIN2 protein function with a positive predictive value of 80%. In summary, the available evidence is currently insufficient to determine the role of this variant in disease. Therefore, it has been classified as a Variant of Uncertain Significance.